The following is an entry in ClinVar:

NM_001080453.3(INTS1):c.3772A>G (p.Met1258Val)

Gene: INTS1 (integrator complex subunit 1; minus strand). Cytogenetic location: 7p22.3.
Variant type: single nucleotide variant.
Coding change: c.3772A>G on transcript NM_001080453.3 (MANE Select); coding-DNA position 3772, A replaced by G.
Protein change: p.Met1258Val; replaces methionine 1258 with valine.
Molecular consequence: missense variant.
Genome position (GRCh38, 1-based): chr7:1,481,420, T>C on the plus strand (A>G on the coding strand, the complement: INTS1 is on the minus strand). VCF-style: chr7-1481420-T-C. GRCh37 (hg19) VCF-style: chr7-1521056-T-C.
Other names: c.289A>G, p.Met97Val (NM_015674.1); short protein forms M1258V, M97V.
Identifiers: ClinVar variation 2657197 (VCV002657197.24), dbSNP rs2483325252, ClinGen allele CA366587869.

ClinVar aggregate classification (germline): Uncertain significance (1 of 4 stars; one submission).

Submission:

CeGaT Center for Human Genetics Tuebingen
Classification: Uncertain significance. Last evaluated: 2022-03-01. Review status: criteria provided, single submitter. Criteria: CeGaT Center For Human Genetics Tuebingen Variant Classification Criteria Version 2. Collection method: clinical testing. Allele origin: germline. Affected: yes. Observed: 1 variant allele.
Comment: INTS1: PM2, PS2:Supporting